The following is an entry in ClinVar:

NM_001378609.3(OTOGL):c.574C>T (p.Arg192Ter)

Gene: OTOGL (otogelin like; plus strand). Cytogenetic location: 12q21.31.
Variant type: single nucleotide variant.
Coding change: c.574C>T on transcript NM_001378609.3 (MANE Select); coding-DNA position 574, C replaced by T.
Protein change: p.Arg192Ter; replaces arginine 192 with a stop codon.
Molecular consequence: nonsense.
Genome position (GRCh38, 1-based): chr12:80,229,341, C>T. VCF-style: chr12-80229341-C-T. GRCh37 (hg19) VCF-style: chr12-80623121-C-T.
Other names: R183*; c.574C>T, p.Arg192Ter (NM_001368062.3, NM_001378610.3, NM_173591.7); c.547C>T (NM_173591.3); short protein forms R192*.
Identifiers: ClinVar variation 39779 (VCV000039779.12), dbSNP rs397514588, ClinGen allele CA130552.

ClinVar aggregate classification (germline): Pathogenic. Review status: criteria provided, multiple submitters, no conflicts (2 of 4 stars). 5 submissions from 5 submitters: Pathogenic (4). 1 of the submissions does not count toward it. Last evaluated 2026-03-31.

Conditions:
OTOGL-related disorder. Also called: OTOGL-related condition.
Autosomal recessive nonsyndromic hearing loss 84B. Also called: Deafness, autosomal recessive 84b. Identifiers: Orphanet 90636, MedGen C3554159, MONDO:0013984, OMIM 614944.

Allele frequency attached by ClinVar (database versions not stated): gnomAD 0.00003; gnomAD exomes 0.00004 and 0.00010; ExAC 0.00005; TOPMed 0.00005; 1000 Genomes Project 30x 0.00016; 1000 Genomes Project 0.00020.
gnomAD v4.1: 149 of 1,595,784 alleles (0.0093%); highest among the groups gnomAD compares: Non-Finnish European, 0.011%; no homozygotes.

Submissions (5):

PreventionGenetics, part of Exact Sciences
Classification: Pathogenic for OTOGL-related condition. Last evaluated: 2026-03-31. Review status: criteria provided, single submitter. Criteria: ACMG Guidelines, 2015. Collection method: clinical testing. Allele origin: germline.
Comment: The OTOGL c.547C>T variant is predicted to result in premature protein termination (p.Arg183*). This variant was reported along with a splicing variant in three siblings with sensorineural hearing loss (Yariz et al. 2012. PubMed ID: 23122586). This variant is reported in 0.0074% of alleles in individuals of European (Non-Finnish) descent in gnomAD. Nonsense variants in OTOGL are expected to be pathogenic. This variant is interpreted as pathogenic.

Labcorp Genetics (formerly Invitae), Labcorp
Classification: Pathogenic. Last evaluated: 2025-10-29. Review status: criteria provided, single submitter. Criteria: Invitae Variant Classification Sherloc (09022015). Collection method: clinical testing. Allele origin: germline.
Comment: This sequence change creates a premature translational stop signal (p.Arg183*) in the OTOGL gene. It is expected to result in an absent or disrupted protein product. Loss-of-function variants in OTOGL are known to be pathogenic (PMID: 23122586). This variant is present in population databases (rs397514588, gnomAD 0.007%). This premature translational stop signal has been observed in individual(s) with moderate hearing loss (PMID: 23122586). ClinVar contains an entry for this variant (Variation ID: 39779). Algorithms developed to predict the effect of sequence changes on RNA splicing suggest that this variant may disrupt the consensus splice site. For these reasons, this variant has been classified as Pathogenic.

GeneDx
Classification: Pathogenic. Last evaluated: 2024-10-04. Review status: criteria provided, single submitter. Criteria: GeneDx Variant Classification Process June 2021. Collection method: clinical testing. Allele origin: germline. Affected: yes.
Comment: Nonsense variant predicted to result in protein truncation or nonsense mediated decay in a gene for which loss-of-function is a known mechanism of disease; This variant is associated with the following publications: (PMID: 24378291, 31980526, 23122586, 36360160)

Blueprint Genetics
Classification: Pathogenic for OTOGL-related disorders. Last evaluated: 2021-04-21. Review status: criteria provided, single submitter. Criteria: ACMG Guidelines, 2015. Collection method: clinical testing. Allele origin: germline. Affected: yes. Observed: 1 variant allele.

OMIM
Classification: Pathogenic for DEAFNESS, AUTOSOMAL RECESSIVE 84B. Last evaluated: 2012-11-02. Review status: no assertion criteria provided. Collection method: literature only. Allele origin: germline. Not counted in ClinVar's aggregate classification.

Literature cited by the submitters: PubMed 23122586 (cited by Labcorp Genetics (formerly Invitae), Labcorp and OMIM).